The following is an entry in ClinVar:

ClinVar aggregate classification (germline): Uncertain significance (1 of 4 stars; one submission).

Submission:

Labcorp Genetics (formerly Invitae), Labcorp
Classification: Uncertain significance. Last evaluated: 2023-06-28. Review status: criteria provided, single submitter. Criteria: Invitae Variant Classification Sherloc (09022015). Collection method: clinical testing. Allele origin: unknown.
Comment: In summary, the available evidence is currently insufficient to determine the role of this variant in disease. Therefore, it has been classified as a Variant of Uncertain Significance. Experimental studies and prediction algorithms are not available or were not evaluated, and the functional significance of this variant is currently unknown. This variant has not been reported in the literature in individuals affected with GNB1-related conditions. This variant results in a copy number gain of the genomic region encompassing exon(s) 1-4 of the GNB1 gene. This region includes the initiator codon of the gene. This copy number gain extends beyond the assayed region for this gene and therefore may encompass additional genes. As the precise location of this event is unknown, it may be in tandem or it may be located elsewhere in the genome.

NC_000001.10:g.(?_1749256)_(1961721_?)dup

Genes: CALML6 (calmodulin like 6; plus strand), CFAP74 (cilia and flagella associated protein 74; minus strand), GABRD (gamma-aminobutyric acid type A receptor subunit delta; plus strand), GNB1 (G protein subunit beta 1; minus strand), TMEM52 (transmembrane protein 52; minus strand). Cytogenetic location: 1p36.33.
Variant type: Duplication.
Identifiers: ClinVar variation 3247936 (VCV003247936.1).